The following is an entry in ClinVar:

NM_005276.4(GPD1):c.1A>G (p.Met1Val)

Gene: GPD1 (glycerol-3-phosphate dehydrogenase 1; plus strand). Cytogenetic location: 12q13.12.
Variant type: single nucleotide variant.
Coding change: c.1A>G on transcript NM_005276.4 (MANE Select); coding-DNA position 1, A replaced by G.
Protein change: p.Met1Val; changes the start codon (methionine 1).
Molecular consequence: missense variant, initiator codon variant.
Genome position (GRCh38, 1-based): chr12:50,104,051, A>G. VCF-style: chr12-50104051-A-G. GRCh37 (hg19) VCF-style: chr12-50497834-A-G.
Other names: c.1A>G, p.Met1Val (NM_001257199.2); short protein forms M1V.
Identifiers: ClinVar variation 1438882 (VCV001438882.8), dbSNP rs144009925, ClinGen allele CA6561383.

ClinVar aggregate classification (germline): Uncertain significance. Review status: criteria provided, multiple submitters, no conflicts (2 of 4 stars). 4 submissions from 4 submitters: Uncertain significance (4). Last evaluated 2024-10-21.

Conditions:
Transient infantile hypertriglyceridemia and hepatosteatosis. Identifiers: Orphanet 300293, MedGen C3280953, MONDO:0013771, OMIM 614480.

Allele frequency attached by ClinVar (database versions not stated): gnomAD exomes 0.00016 and 0.00028; ExAC 0.00021; TOPMed 0.00024; gnomAD 0.00027 and 0.00029; ESP Exome Variant Server 0.00031.

Submissions (4):

Blueprint Genetics
Classification: Uncertain significance. Last evaluated: 2024-10-21. Review status: criteria provided, single submitter. Criteria: ACMG Guidelines, 2015. Collection method: clinical testing. Allele origin: germline.

Genomic Research Center, Shahid Beheshti University of Medical Sciences
Classification: Uncertain significance for Transient infantile hypertriglyceridemia and hepatosteatosis. Last evaluated: 2024-05-06. Review status: criteria provided, single submitter. Criteria: ACMG Guidelines, 2015. Collection method: clinical testing. Allele origin: unknown. Affected: no.

Labcorp Genetics (formerly Invitae), Labcorp
Classification: Uncertain significance. Last evaluated: 2023-05-28. Review status: criteria provided, single submitter. Criteria: Invitae Variant Classification Sherloc (09022015). Collection method: clinical testing. Allele origin: germline.
Comment: This variant has not been reported in the literature in individuals affected with GPD1-related conditions. In summary, the available evidence is currently insufficient to determine the role of this variant in disease. Therefore, it has been classified as a Variant of Uncertain Significance. Experimental studies and prediction algorithms are not available or were not evaluated, and the functional significance of this variant is currently unknown. ClinVar contains an entry for this variant (Variation ID: 1438882). This variant is present in population databases (rs144009925, gnomAD 0.06%), including at least one homozygous and/or hemizygous individual. This sequence change affects the initiator methionine of the GPD1 mRNA. The next in-frame methionine is located at codon 38.

Department of Pathology and Laboratory Medicine, Sinai Health System
Classification: Uncertain significance for Transient infantile hypertriglyceridemia and hepatosteatosis. Last evaluated: 2022-10-03. Review status: criteria provided, single submitter. Criteria: ACMG Guidelines, 2015. Collection method: research. Allele origin: germline.